The following is an entry in ClinVar:

NM_002880.4(RAF1):c.131A>C (p.Asp44Ala)

Gene: RAF1 (Raf-1 proto-oncogene, serine/threonine kinase; minus strand). Cytogenetic location: 3p25.2.
Variant type: single nucleotide variant.
Coding change: c.131A>C on transcript NM_002880.4 (MANE Select); coding-DNA position 131, A replaced by C.
Protein change: p.Asp44Ala; replaces aspartic acid 44 with alanine.
Molecular consequence: missense variant. On other transcripts: initiator codon variant (4), non-coding transcript variant (3).
Genome position (GRCh38, 1-based): chr3:12,618,591, T>G on the plus strand (A>C on the coding strand, the complement: RAF1 is on the minus strand). VCF-style: chr3-12618591-T-G. GRCh37 (hg19) VCF-style: chr3-12660090-T-G.
Other names: c.131A>C, p.Asp44Ala (NM_001354689.3, NM_001354690.3, NM_001354693.3); c.1A>C, p.Met1Leu (NM_001354691.3, NM_001354692.3, NM_001354694.3 and 1 more transcripts); short protein forms D44A, M1L.
Identifiers: ClinVar variation 2971893 (VCV002971893.3), dbSNP rs756420598, ClinGen allele CA351485011.

ClinVar aggregate classification (germline): Uncertain significance (1 of 4 stars; one submission).

Conditions:
RASopathy. Also called: Noonan spectrum disorder; rasopathies. Identifiers: Orphanet 536391, MedGen C5555857, MONDO:0021060.

gnomAD v4.1: 2 of 1,614,192 alleles (0.00012%); highest among the groups gnomAD compares: South Asian, 0.0022%; no homozygotes.

Submission:

Labcorp Genetics (formerly Invitae), Labcorp
Classification: Uncertain significance for RASopathy. Last evaluated: 2023-11-18. Review status: criteria provided, single submitter. Criteria: Invitae Variant Classification Sherloc (09022015). Collection method: clinical testing. Allele origin: germline.
Comment: This sequence change replaces aspartic acid, which is acidic and polar, with alanine, which is neutral and non-polar, at codon 44 of the RAF1 protein (p.Asp44Ala). This variant is not present in population databases (gnomAD no frequency). This variant has not been reported in the literature in individuals affected with RAF1-related conditions. Advanced modeling of protein sequence and biophysical properties (such as structural, functional, and spatial information, amino acid conservation, physicochemical variation, residue mobility, and thermodynamic stability) has been performed at Invitae for this missense variant, however the output from this modeling did not meet the statistical confidence thresholds required to predict the impact of this variant on RAF1 protein function. In summary, the available evidence is currently insufficient to determine the role of this variant in disease. Therefore, it has been classified as a Variant of Uncertain Significance.